The following is an entry in ClinVar:

ClinVar aggregate classification (germline): Uncertain significance. Review status: criteria provided, multiple submitters, no conflicts (2 of 4 stars). 2 submissions from 2 submitters: Uncertain significance (2). Last evaluated 2025-04-12.

Conditions:
Mosaic variegated aneuploidy syndrome 2 (MVA2). Identifiers: Orphanet 1052, MedGen C3279843, MONDO:0013582, OMIM 614114.
Inborn genetic diseases. Identifiers: MedGen C0950123, MeSH D030342.

Allele frequency attached by ClinVar (database versions not stated): ExAC 0.00001; gnomAD exomes 0.00001.
gnomAD v4.1: 3 of 1,612,808 alleles (0.00019%); highest among the groups gnomAD compares: East Asian, 0.0067%; no homozygotes.

Submissions (2):

Ambry Genetics
Classification: Uncertain significance for Inborn genetic diseases. Last evaluated: 2025-04-12. Review status: criteria provided, single submitter. Criteria: Ambry Variant Classification Scheme 2023. Collection method: clinical testing. Allele origin: germline.
Comment: The p.M374I variant (also known as c.1122G>T), located in coding exon 9 of the CEP57 gene, results from a G to T substitution at nucleotide position 1122. The methionine at codon 374 is replaced by isoleucine, an amino acid with highly similar properties. This amino acid position is conserved. In addition, this alteration is predicted to be deleterious by in silico analysis. Based on the available evidence, the clinical significance of this variant remains unclear.

Labcorp Genetics (formerly Invitae), Labcorp
Classification: Uncertain significance for Mosaic variegated aneuploidy syndrome 2. Last evaluated: 2019-09-01. Review status: criteria provided, single submitter. Criteria: Invitae Variant Classification Sherloc (09022015). Collection method: clinical testing. Allele origin: germline.
Comment: This variant is present in population databases (rs764662402, ExAC 0.01%). In summary, the available evidence is currently insufficient to determine the role of this variant in disease. Therefore, it has been classified as a Variant of Uncertain Significance. Algorithms developed to predict the effect of missense changes on protein structure and function are either unavailable or do not agree on the potential impact of this missense change (SIFT: "Deleterious"; PolyPhen-2: "Probably Damaging"; Align-GVGD: "Class C0"). This variant has not been reported in the literature in individuals with CEP57-related conditions. This sequence change replaces methionine with isoleucine at codon 374 of the CEP57 protein (p.Met374Ile). The methionine residue is highly conserved and there is a small physicochemical difference between methionine and isoleucine.

NM_014679.5(CEP57):c.1122G>T (p.Met374Ile)

Gene: CEP57 (centrosomal protein 57; plus strand). Cytogenetic location: 11q21.
Variant type: single nucleotide variant.
Coding change: c.1122G>T on transcript NM_014679.5 (MANE Select); coding-DNA position 1122, G replaced by T.
Protein change: p.Met374Ile; replaces methionine 374 with isoleucine.
Molecular consequence: missense variant.
Genome position (GRCh38, 1-based): chr11:95,828,022, G>T. VCF-style: chr11-95828022-G-T. GRCh37 (hg19) VCF-style: chr11-95561186-G-T.
Other names: c.1095G>T, p.Met365Ile (NM_001243776.2); c.1044G>T, p.Met348Ile (NM_001243777.2); c.1041G>T, p.Met347Ile (NM_001363604.2); short protein forms M348I, M347I, M365I, M374I.
Identifiers: ClinVar variation 942902 (VCV000942902.10), dbSNP rs764662402, ClinGen allele CA6239691.